The following is an entry in ClinVar:

ClinVar aggregate classification (germline): Pathogenic/Likely pathogenic. Review status: criteria provided, multiple submitters, no conflicts (2 of 4 stars). 3 submissions from 3 submitters: Pathogenic (2); Likely pathogenic (1). Last evaluated 2024-10-29.

Conditions:
Marfan syndrome (MFS). Also called: MARFAN SYNDROME, TYPE I; Marfan syndrome type 1; Marfan's syndrome; Marfan syndrome, classic; FBN1-Related Marfan Syndrome. Identifiers: Orphanet 284963, Orphanet 558, MedGen C0024796, MONDO:0007947, OMIM 154700.
Familial thoracic aortic aneurysm and aortic dissection (TAAD). Also called: Thoracic aortic aneurysms and dissections. Identifiers: Orphanet 91387, MedGen C4707243, MONDO:0019625.

Submissions (3):

Ambry Genetics
Classification: Likely pathogenic for Familial thoracic aortic aneurysm and aortic dissection. Last evaluated: 2024-10-29. Review status: criteria provided, single submitter. Criteria: Ambry Variant Classification Scheme 2023. Collection method: clinical testing. Allele origin: germline.
Comment: The p.C1853R variant (also known as c.5557T>C), located in coding exon 45 of the FBN1 gene, results from a T to C substitution at nucleotide position 5557. The cysteine at codon 1853 is replaced by arginine, an amino acid with highly dissimilar properties. The majority of FBN1 mutations identified to date have involved the substitution or generation of cysteine residues within cbEGF domains (Vollbrandt T et al. J Biol Chem. 2004;279(31):32924-32931). Internal structural analysis indicates this alteration eliminates a disulfide bond critical for the structural integrity of the cbEGF27 domain (Ambry internal data). This variant was reported in individuals with features consistent with Marfan syndrome (Ambry internal data; external communication). This amino acid position is highly conserved in available vertebrate species. In addition, this alteration is predicted to be deleterious by in silico analysis. This variant is considered to be rare based on population cohorts in the Genome Aggregation Database (gnomAD). Based on the majority of available evidence to date, this variant is likely to be pathogenic.

Labcorp Genetics (formerly Invitae), Labcorp
Classification: Pathogenic for Marfan syndrome; Familial thoracic aortic aneurysm and aortic dissection. Last evaluated: 2023-05-02. Review status: criteria provided, single submitter. Criteria: Invitae Variant Classification Sherloc (09022015). Collection method: clinical testing. Allele origin: germline.
Comment: ClinVar contains an entry for this variant (Variation ID: 1204855). For these reasons, this variant has been classified as Pathogenic. This variant disrupts the p.Cys1853 amino acid residue in FBN1. Other variant(s) that disrupt this residue have been observed in individuals with FBN1-related conditions (PMID: 25644172; Invitae), which suggests that this may be a clinically significant amino acid residue. This variant affects a cysteine residue in the EGF-like, TGFBP or hybrid motif domains of FBN1. Cysteine residues are believed to be involved in intramolecular disulfide bridges and have been shown to be important for FBN1 protein structure (PMID: 16905551, 19349279). In addition, missense substitutions affecting cysteine residues within these domains are significantly overrepresented among patients with Marfan syndrome (PMID: 16571647, 17701892). Advanced modeling of protein sequence and biophysical properties (such as structural, functional, and spatial information, amino acid conservation, physicochemical variation, residue mobility, and thermodynamic stability) performed at Invitae indicates that this missense variant is expected to disrupt FBN1 protein function. This missense change has been observed in individual(s) with Marfan syndrome (Invitae). This variant is not present in population databases (gnomAD no frequency). This sequence change replaces cysteine, which is neutral and slightly polar, with arginine, which is basic and polar, at codon 1853 of the FBN1 protein (p.Cys1853Arg).

GeneDx
Classification: Pathogenic. Last evaluated: 2019-02-21. Review status: criteria provided, single submitter. Criteria: GeneDx Variant Classification Process June 2021. Collection method: clinical testing. Allele origin: germline. Affected: yes.
Comment: Occurs within calcium-binding EGF-like 31 domain and involving disulfide bond between C1853-C1865; Not observed in large population cohorts (Lek et al., 2016; McVean et al., 2012; Exome Variant Server); In silico analysis, which includes protein predictors and evolutionary conservation, supports a deleterious effect

Literature cited by the submitters: PubMed 25644172 (cited by Labcorp Genetics (formerly Invitae), Labcorp); PubMed 16905551 (cited by Labcorp Genetics (formerly Invitae), Labcorp); PubMed 19349279 (cited by Labcorp Genetics (formerly Invitae), Labcorp); PubMed 16571647 (cited by Labcorp Genetics (formerly Invitae), Labcorp); PubMed 17701892 (cited by Labcorp Genetics (formerly Invitae), Labcorp).

NM_000138.5(FBN1):c.5557T>C (p.Cys1853Arg)

Gene: FBN1 (fibrillin 1; minus strand). Cytogenetic location: 15q21.1.
Variant type: single nucleotide variant.
Coding change: c.5557T>C on transcript NM_000138.5 (MANE Select); coding-DNA position 5557, T replaced by C.
Protein change: p.Cys1853Arg; replaces cysteine 1853 with arginine.
Molecular consequence: missense variant.
Genome position (GRCh38, 1-based): chr15:48,448,882, A>G on the plus strand (T>C on the coding strand, the complement: FBN1 is on the minus strand). VCF-style: chr15-48448882-A-G. GRCh37 (hg19) VCF-style: chr15-48741079-A-G.
Other names: short protein forms C1853R.
Identifiers: ClinVar variation 1204855 (VCV001204855.12), dbSNP rs1555395990, ClinGen allele CA392342536.